The following is an entry in ClinVar:

NM_000368.5(TSC1):c.1674C>T (p.Pro558=)

Gene: TSC1 (TSC complex subunit 1; minus strand). Cytogenetic location: 9q34.13.
Variant type: single nucleotide variant.
Coding change: c.1674C>T on transcript NM_000368.5 (MANE Select); coding-DNA position 1674, C replaced by T.
Protein change: p.Pro558=; no amino-acid change (proline 558 retained).
Molecular consequence: synonymous variant.
Genome position (GRCh38, 1-based): chr9:132,905,904, G>A on the plus strand (C>T on the coding strand, the complement: TSC1 is on the minus strand). VCF-style: chr9-132905904-G-A. GRCh37 (hg19) VCF-style: chr9-135781291-G-A.
Other names: c.1671C>T, p.Pro557= (NM_001162426.2); c.1521C>T, p.Pro507= (NM_001162427.2); c.1311C>T, p.Pro437= (NM_001362177.2).
Identifiers: ClinVar variation 237703 (VCV000237703.20), dbSNP rs878853962, ClinGen allele CA10582628.

ClinVar aggregate classification (germline): Benign/Likely benign. Review status: criteria provided, multiple submitters, no conflicts (2 of 4 stars). 8 submissions from 8 submitters: Benign (2); Likely benign (6). Last evaluated 2026-02-02.

Conditions:
Hereditary cancer-predisposing syndrome. Also called: Neoplastic Syndromes, Hereditary; Hereditary Cancer Syndrome; Tumor predisposition; Hereditary neoplastic syndrome. Identifiers: Orphanet 140162, MedGen C0027672, MeSH D009386, MONDO:0015356.
Tuberous sclerosis syndrome (TSC). Also called: Tuberous Sclerosis Complex; Tuberous sclerosis. Identifiers: Orphanet 805, MedGen C0041341, MONDO:0001734.
Tuberous sclerosis 1 (TSC1). Identifiers: Orphanet 805, MedGen C1854465, MONDO:0008612, OMIM 191100.

Allele frequency attached by ClinVar (database versions not stated): TOPMed below 0.00001; gnomAD exomes 0.00001.
gnomAD v4.1: 8 of 1,612,448 alleles (0.0005%); highest among the groups gnomAD compares: East Asian, 0.0067%; no homozygotes.

Submissions (8):

Labcorp Genetics (formerly Invitae), Labcorp
Classification: Likely benign for Tuberous sclerosis 1. Last evaluated: 2026-02-02. Review status: criteria provided, single submitter. Criteria: Invitae Variant Classification Sherloc (09022015). Collection method: clinical testing. Allele origin: germline.

Color Diagnostics, LLC DBA Color Health
Classification: Likely benign for Tuberous sclerosis syndrome. Last evaluated: 2025-07-14. Review status: criteria provided, single submitter. Criteria: ACMG Guidelines, 2015. Collection method: clinical testing. Allele origin: germline.

Myriad Genetics, Inc.
Classification: Benign for Tuberous sclerosis 1. Last evaluated: 2025-04-10. Review status: criteria provided, single submitter. Criteria: Myriad Autosomal Dominant, Autosomal Recessive and X-Linked Classification Criteria (2023). Collection method: clinical testing. Allele origin: unknown.
Comment: This variant is considered benign. This variant is a silent/synonymous amino acid change and it is not expected to impact splicing.

Blueprint Genetics
Classification: Likely benign. Last evaluated: 2024-03-06. Review status: criteria provided, single submitter. Criteria: ACMG Guidelines, 2015. Collection method: clinical testing. Allele origin: germline.

Sema4
Classification: Likely benign for Hereditary cancer-predisposing syndrome. Last evaluated: 2021-12-10. Review status: criteria provided, single submitter. Criteria: Sema4 Curation Guidelines. Collection method: curation. Allele origin: germline.

Genome-Nilou Lab
Classification: Benign for Tuberous sclerosis 1. Last evaluated: 2021-11-07. Review status: criteria provided, single submitter. Criteria: ACMG Guidelines, 2015. Collection method: clinical testing. Allele origin: germline. Affected: no.

Ambry Genetics
Classification: Likely benign for Hereditary cancer-predisposing syndrome. Last evaluated: 2019-05-13. Review status: criteria provided, single submitter. Criteria: Ambry Variant Classification Scheme 2023. Collection method: clinical testing. Allele origin: germline.

GeneDx
Classification: Likely benign. Last evaluated: 2018-02-14. Review status: criteria provided, single submitter. Criteria: GeneDx Variant Classification (06012015). Collection method: clinical testing. Allele origin: germline. Affected: yes.
Comment: This variant is considered likely benign or benign based on one or more of the following criteria: it is a conservative change, it occurs at a poorly conserved position in the protein, it is predicted to be benign by multiple in silico algorithms, and/or has population frequency not consistent with disease.